The following is an entry in ClinVar:

ClinVar aggregate classification (germline): Uncertain significance (1 of 4 stars; one submission).

Conditions:
Long QT syndrome (LQTS). Identifiers: MedGen C0023976, MeSH D008133, MONDO:0002442. Disease mechanism: loss of function. Inheritance: Various modes of inheritance.

Submission:

Labcorp Genetics (formerly Invitae), Labcorp
Classification: Uncertain significance for Long QT syndrome. Last evaluated: 2023-01-22. Review status: criteria provided, single submitter. Criteria: Invitae Variant Classification Sherloc (09022015). Collection method: clinical testing. Allele origin: germline.
Comment: This sequence change replaces leucine, which is neutral and non-polar, with phenylalanine, which is neutral and non-polar, at codon 3740 of the AKAP9 protein (p.Leu3740Phe). In summary, the available evidence is currently insufficient to determine the role of this variant in disease. Therefore, it has been classified as a Variant of Uncertain Significance. Algorithms developed to predict the effect of missense changes on protein structure and function are either unavailable or do not agree on the potential impact of this missense change (SIFT: "Deleterious"; PolyPhen-2: "Probably Damaging"; Align-GVGD: "Class C0"). This variant has not been reported in the literature in individuals affected with AKAP9-related conditions. This variant is not present in population databases (gnomAD no frequency).

NM_005751.5(AKAP9):c.11218C>T (p.Leu3740Phe)

Gene: AKAP9 (A-kinase anchoring protein 9; plus strand). Cytogenetic location: 7q21.2.
Variant type: single nucleotide variant.
Coding change: c.11218C>T on transcript NM_005751.5 (MANE Select); coding-DNA position 11218, C replaced by T.
Protein change: p.Leu3740Phe; replaces leucine 3740 with phenylalanine.
Molecular consequence: missense variant.
Genome position (GRCh38, 1-based): chr7:92,102,714, C>T. VCF-style: chr7-92102714-C-T. GRCh37 (hg19) VCF-style: chr7-91732028-C-T.
Other names: c.5863C>T, p.Leu1955Phe (NM_001379277.1); c.11194C>T, p.Leu3732Phe (NM_147185.3); short protein forms L1955F, L3732F, L3740F.
Identifiers: ClinVar variation 2969917 (VCV002969917.3), dbSNP rs2535318129, ClinGen allele CA368162431.
Genomic context (GRCh38, chr7:92,102,714, plus strand): 5'-AAATACCTGCTGCTGTTACTGGGTGGGTTCCAGGAATGTGAAGATGCCACCTTGGCCCTG[C>T]TTGCCCGGATGGGGGGGCAGCCAGCTTTCACGGATCTAGAGGTGATCACCAATCGCCCAA-3'
Protein context (NP_005742.4, residues 3730-3750): QECEDATLAL[Leu3740Phe]ARMGGQPAFT